The following is an entry in ClinVar:

ClinVar aggregate classification (germline): Uncertain significance (1 of 4 stars; one submission).

Conditions:
Developmental and epileptic encephalopathy, 53. Also called: Epileptic encephalopathy, early infantile, 53. Identifiers: MedGen C4479313, MONDO:0033362, OMIM 617389.
Early-onset Parkinson disease 20. Also called: PARKINSON DISEASE 20, AUTOSOMAL RECESSIVE EARLY-ONSET. Identifiers: Orphanet 391411, MedGen C3809824, MONDO:0014233, OMIM 615530.

Allele frequency attached by ClinVar (database versions not stated): TOPMed below 0.00001; gnomAD 0.00001.
gnomAD v4.1: 1 of 1,613,676 alleles (0.000062%); highest among the groups gnomAD compares: South Asian, 0.0011%; no homozygotes.

Submission:

Labcorp Genetics (formerly Invitae), Labcorp
Classification: Uncertain significance for Developmental and epileptic encephalopathy, 53; Early-onset Parkinson disease 20. Last evaluated: 2021-02-20. Review status: criteria provided, single submitter. Criteria: Invitae Variant Classification Sherloc (09022015). Collection method: clinical testing. Allele origin: germline.
Comment: In summary, the available evidence is currently insufficient to determine the role of this variant in disease. Therefore, it has been classified as a Variant of Uncertain Significance. Algorithms developed to predict the effect of missense changes on protein structure and function are either unavailable or do not agree on the potential impact of this missense change (SIFT: "Deleterious"; PolyPhen-2: "Possibly Damaging"; Align-GVGD: "Class C0"). This variant has not been reported in the literature in individuals with SYNJ1-related conditions. This variant is not present in population databases (ExAC no frequency). This sequence change replaces serine with arginine at codon 1189 of the SYNJ1 protein (p.Ser1189Arg). The serine residue is moderately conserved and there is a moderate physicochemical difference between serine and arginine.

NM_203446.3(SYNJ1):c.3448A>C (p.Ser1150Arg)

Gene: SYNJ1 (synaptojanin 1; minus strand). Cytogenetic location: 21q22.11.
Variant type: single nucleotide variant.
Coding change: c.3448A>C on transcript NM_203446.3 (MANE Select); coding-DNA position 3448, A replaced by C.
Protein change: p.Ser1150Arg; replaces serine 1150 with arginine.
Molecular consequence: missense variant. On other transcripts: intron variant (2).
Genome position (GRCh38, 1-based): chr21:32,643,440, T>G on the plus strand (A>C on the coding strand, the complement: SYNJ1 is on the minus strand). VCF-style: chr21-32643440-T-G. GRCh37 (hg19) VCF-style: chr21-34015750-T-G.
Other names: c.3565A>C, p.Ser1189Arg (NM_003895.4); c.3431-1307A>C (NM_001160302.2); c.3377-1474A>C (NM_001160306.2); short protein forms S1150R, S1189R.
Identifiers: ClinVar variation 1426984 (VCV001426984.8), dbSNP rs373387769, ClinGen allele CA410066934.
Genomic context (GRCh38, chr21:32,643,440, plus strand): 5'-ACCACTTCTATAATGCAAGAGTCTTGTTACCTTCCATCTCTCTCCTAGCTACCCCAGGAC[T>G]GGGAGGGGCTCCAATACCTTTTTAGAGAAAGAACAGAAACTATATATTGTTCAGGGCCCA-3'
Protein context (NP_982271.3, residues 1140-1160): KEFGGIGAPP[Ser1150Arg]PGVARREMEA